The following is an entry in ClinVar:

NM_007259.5(VPS45):c.576+4T>C

Gene: VPS45 (vacuolar protein sorting 45 homolog; plus strand). Cytogenetic location: 1q21.2.
Variant type: single nucleotide variant.
Coding change: c.576+4T>C on transcript NM_007259.5 (MANE Select); 4 bases into the intron after coding-DNA position 576, T replaced by C.
Molecular consequence: intron variant.
Genome position (GRCh38, 1-based): chr1:150,077,235, T>C. VCF-style: chr1-150077235-T-C. GRCh37 (hg19) VCF-style: chr1-150049313-T-C.
Other names: c.262-434T>C (NM_001279353.2); c.468+4T>C (NM_001279354.2).
Identifiers: ClinVar variation 1430772 (VCV001430772.3), dbSNP rs1553798326, ClinGen allele CA526259821.

ClinVar aggregate classification (germline): Uncertain significance (1 of 4 stars; one submission).

Conditions:
Congenital neutropenia-myelofibrosis-nephromegaly syndrome. Also called: Severe congenital neutropenia 5, autosomal recessive. Identifiers: Orphanet 369852, MedGen C3809031, MONDO:0014118, OMIM 615285.

Allele frequency attached by ClinVar (database versions not stated): gnomAD exomes below 0.00001; TOPMed below 0.00001.
gnomAD v4.1: 2 of 1,605,964 alleles (0.00012%); highest among the groups gnomAD compares: Admixed American, 0.0017%; no homozygotes.

Submission:

Labcorp Genetics (formerly Invitae), Labcorp
Classification: Uncertain significance for Congenital neutropenia-myelofibrosis-nephromegaly syndrome. Last evaluated: 2021-06-24. Review status: criteria provided, single submitter. Criteria: Invitae Variant Classification Sherloc (09022015). Collection method: clinical testing. Allele origin: germline.
Comment: This sequence change falls in intron 6 of the VPS45 gene. It does not directly change the encoded amino acid sequence of the VPS45 protein. It affects a nucleotide within the consensus splice site of the intron. This variant is not present in population databases (ExAC no frequency). This variant has not been reported in the literature in individuals with VPS45-related conditions. Nucleotide substitutions within the consensus splice site are a relatively common cause of aberrant splicing (PMID: 17576681, 9536098). Algorithms developed to predict the effect of sequence changes on RNA splicing suggest that this variant is not likely to affect RNA splicing, but this prediction has not been confirmed by published transcriptional studies. In summary, the available evidence is currently insufficient to determine the role of this variant in disease. Therefore, it has been classified as a Variant of Uncertain Significance.

Literature cited by the submitters: PubMed 17576681; PubMed 9536098.